The following is an entry in ClinVar:

NM_001330691.3(CEP78):c.99C>T (p.Ala33=)

Gene: CEP78 (centrosomal protein 78; plus strand). Cytogenetic location: 9q21.2.
Variant type: single nucleotide variant.
Coding change: c.99C>T on transcript NM_001330691.3 (MANE Select); coding-DNA position 99, C replaced by T.
Protein change: p.Ala33=; no amino-acid change (alanine 33 retained).
Molecular consequence: synonymous variant.
Genome position (GRCh38, 1-based): chr9:78,236,449, C>T. VCF-style: chr9-78236449-C-T. GRCh37 (hg19) VCF-style: chr9-80851365-C-T.
Other names: c.99C>T, p.Ala33= (NM_001098802.3, NM_001330693.3, NM_001330694.2 and 4 more transcripts); c.99C>T (NM_001098802.1).
Identifiers: ClinVar variation 3007482 (VCV003007482.4), dbSNP rs1331446165, ClinGen allele CA465623903.

ClinVar aggregate classification (germline): Likely benign. Review status: criteria provided, multiple submitters, no conflicts (2 of 4 stars). 2 submissions from 2 submitters: Likely benign (2). Last evaluated 2026-04-28.

Conditions:
CEP78-related disorder. Also called: CEP78-related condition.

Allele frequency attached by ClinVar (database versions not stated): TOPMed below 0.00001; gnomAD 0.00001.
gnomAD v4.1: 6 of 1,604,306 alleles (0.00037%); highest among the groups gnomAD compares: African/African-American, 0.0013%; no homozygotes.

Submissions (2):

PreventionGenetics, part of Exact Sciences
Classification: Likely benign for CEP78-related condition. Last evaluated: 2026-04-28. Review status: criteria provided, single submitter. Criteria: ACMG Guidelines, 2015. Collection method: clinical testing. Allele origin: germline.
Comment: This variant is classified as likely benign based on ACMG/AMP sequence variant interpretation guidelines (Richards et al. 2015 PMID: 25741868, with internal and published modifications).

Labcorp Genetics (formerly Invitae), Labcorp
Classification: Likely benign. Last evaluated: 2024-07-19. Review status: criteria provided, single submitter. Criteria: Invitae Variant Classification Sherloc (09022015). Collection method: clinical testing. Allele origin: germline.